The following is an entry in ClinVar:

ClinVar aggregate classification (germline): Uncertain significance (1 of 4 stars; one submission).

Conditions:
Cardiovascular phenotype. Identifiers: MedGen CN230736.

Submission:

Ambry Genetics
Classification: Uncertain significance for Cardiovascular phenotype. Last evaluated: 2023-08-03. Review status: criteria provided, single submitter. Criteria: Ambry Variant Classification Scheme 2023. Collection method: clinical testing. Allele origin: germline.
Comment: The p.F179L variant (also known as c.535T>C), located in coding exon 5 of the GPD1L gene, results from a T to C substitution at nucleotide position 535. The phenylalanine at codon 179 is replaced by leucine, an amino acid with highly similar properties. This amino acid position is conserved. In addition, this alteration is predicted to be tolerated by in silico analysis. Since supporting evidence is limited at this time, the clinical significance of this alteration remains unclear.

NM_015141.4(GPD1L):c.535T>C (p.Phe179Leu)

Gene: GPD1L (glycerol-3-phosphate dehydrogenase 1 like; plus strand). Cytogenetic location: 3p22.3.
Variant type: single nucleotide variant.
Coding change: c.535T>C on transcript NM_015141.4 (MANE Select); coding-DNA position 535, T replaced by C.
Protein change: p.Phe179Leu; replaces phenylalanine 179 with leucine.
Molecular consequence: missense variant.
Genome position (GRCh38, 1-based): chr3:32,146,651, T>C. VCF-style: chr3-32146651-T-C. GRCh37 (hg19) VCF-style: chr3-32188143-T-C.
Other names: short protein forms F179L.
Identifiers: ClinVar variation 2626249 (VCV002626249.2), dbSNP rs1559579197, ClinGen allele CA351967377.
Genomic context (GRCh38, chr3:32,146,651, plus strand): 5'-TTAATATCCTTGTTGTCTAACCTTTCAACAGGCAGCAAAGTAATGGAGAACGGCCTTCTC[T>C]TCAAAGAACTTCTGCAGACTCCAAATTTTCGAATTACCGTGGTTGATGATGCAGACACTG-3'
Protein context (NP_055956.1, residues 169-189): GSKVMENGLL[Phe179Leu]KELLQTPNFR